The following is an entry in ClinVar:

NM_005655.4(KLF10):c.1090T>A (p.Ser364Thr)

Gene: KLF10 (KLF transcription factor 10; minus strand). Cytogenetic location: 8q22.3.
Variant type: single nucleotide variant.
Coding change: c.1090T>A on transcript NM_005655.4 (MANE Select); coding-DNA position 1090, T replaced by A.
Protein change: p.Ser364Thr; replaces serine 364 with threonine.
Molecular consequence: missense variant. On other transcripts: non-coding transcript variant (1).
Genome position (GRCh38, 1-based): chr8:102,651,242, A>T on the plus strand (T>A on the coding strand, the complement: KLF10 is on the minus strand). VCF-style: chr8-102651242-A-T. GRCh37 (hg19) VCF-style: chr8-103663470-A-T.
Other names: c.1057T>A, p.Ser353Thr (NM_001032282.4); short protein forms S353T, S364T.
Identifiers: ClinVar variation 2725522 (VCV002725522.3), dbSNP rs778734661, ClinGen allele CA4833474.

ClinVar aggregate classification (germline): Uncertain significance (1 of 4 stars; one submission).

Allele frequency attached by ClinVar (database versions not stated): ExAC 0.00001.
gnomAD v4.1: 49 of 1,594,154 alleles (0.0031%); highest among the groups gnomAD compares: Non-Finnish European, 0.004%; no homozygotes.

Submission:

Labcorp Genetics (formerly Invitae), Labcorp
Classification: Uncertain significance. Last evaluated: 2023-03-09. Review status: criteria provided, single submitter. Criteria: Invitae Variant Classification Sherloc (09022015). Collection method: clinical testing. Allele origin: germline.
Comment: In summary, the available evidence is currently insufficient to determine the role of this variant in disease. Therefore, it has been classified as a Variant of Uncertain Significance. An algorithm developed to predict the effect of missense changes on protein structure and function (PolyPhen-2) suggests that this variant is likely to be tolerated. This variant has not been reported in the literature in individuals affected with KLF10-related conditions. This variant is present in population databases (rs778734661, gnomAD 0.003%). This sequence change replaces serine, which is neutral and polar, with threonine, which is neutral and polar, at codon 364 of the KLF10 protein (p.Ser364Thr).